The following is an entry in ClinVar:

NM_004168.4(SDHA):c.136A>G (p.Lys46Glu)

Gene: SDHA (succinate dehydrogenase complex flavoprotein subunit A; plus strand). Cytogenetic location: 5p15.33.
Variant type: single nucleotide variant.
Coding change: c.136A>G on transcript NM_004168.4 (MANE Select); coding-DNA position 136, A replaced by G.
Protein change: p.Lys46Glu; replaces lysine 46 with glutamic acid.
Molecular consequence: missense variant.
Genome position (GRCh38, 1-based): chr5:223,554, A>G. VCF-style: chr5-223554-A-G. GRCh37 (hg19) VCF-style: chr5-223669-A-G.
Other names: p.Lys46Glu; c.136A>G, p.Lys46Glu (NM_001294332.2, NM_001330758.2); short protein forms K46E.
Identifiers: ClinVar variation 224951 (VCV000224951.30), dbSNP rs144599870, ClinGen allele CA358581.

ClinVar aggregate classification (germline): Conflicting classifications of pathogenicity. Review status: criteria provided, conflicting classifications (1 of 4 stars). 12 submissions from 12 submitters: Uncertain significance (2); Likely benign (9). 1 of the submissions does not count toward it. Last evaluated 2026-01-31.

Conditions:
Mitochondrial complex II deficiency, nuclear type 1. Also called: SUCCINATE CoQ REDUCTASE DEFICIENCY. Identifiers: Orphanet 3208, MedGen C5700310, MONDO:0100294, OMIM 252011.
Pheochromocytoma/paraganglioma syndrome 5. Also called: Paragangliomas 5; SDHA-Related Hereditary Paraganglioma-Pheochromocytoma Syndrome. Identifiers: Orphanet 29072, MedGen C3279992, MONDO:0013602, OMIM 614165.
Hereditary cancer-predisposing syndrome. Also called: Tumor predisposition; Neoplastic Syndromes, Hereditary; Hereditary Cancer Syndrome; Hereditary neoplastic syndrome. Identifiers: Orphanet 140162, MedGen C0027672, MeSH D009386, MONDO:0015356.
Dilated cardiomyopathy 1GG (CMD1GG). Identifiers: Orphanet 154, MedGen C3150898, MONDO:0013339, OMIM 613642.
Neurodegeneration with ataxia and late-onset optic atrophy. Identifiers: MedGen C5543254, MONDO:0031006, OMIM 619259.

Allele frequency attached by ClinVar (database versions not stated): gnomAD exomes 0.00014 and 0.00029; ExAC 0.00039; 1000 Genomes Project 0.00060; 1000 Genomes Project 30x 0.00078; gnomAD 0.00133 and 0.00145; ESP Exome Variant Server 0.00138; TOPMed 0.00154.
gnomAD v4.1: 404 of 1,613,182 alleles (0.025%); highest among the groups gnomAD compares: African/African-American, 0.49%; no homozygotes.

Submissions (12):

Labcorp Genetics (formerly Invitae), Labcorp
Classification: Likely benign for Pheochromocytoma/paraganglioma syndrome 5; Mitochondrial complex II deficiency, nuclear type 1. Last evaluated: 2026-01-31. Review status: criteria provided, single submitter. Criteria: Invitae Variant Classification Sherloc (09022015). Collection method: clinical testing. Allele origin: germline.

Mayo Clinic Laboratories, Mayo Clinic
Classification: Likely benign. Last evaluated: 2025-04-14. Review status: criteria provided, single submitter. Criteria: ACMG Guidelines, 2015. Collection method: clinical testing. Allele origin: germline. Observed: 2 variant alleles.
Comment: BS1, BP4

Department of Pathology and Laboratory Medicine, Sinai Health System
Classification: Likely benign for Mitochondrial complex II deficiency, nuclear type 1; Dilated cardiomyopathy 1GG; Pheochromocytoma/paraganglioma syndrome 5; Neurodegeneration with ataxia and late-onset optic atrophy. Last evaluated: 2025-01-14. Review status: criteria provided, single submitter. Criteria: ACMG Guidelines, 2015. Collection method: clinical testing. Allele origin: germline.

Blueprint Genetics
Classification: Likely benign. Last evaluated: 2024-09-11. Review status: criteria provided, single submitter. Criteria: ACMG Guidelines, 2015. Collection method: clinical testing. Allele origin: germline.

Women's Health and Genetics/Laboratory Corporation of America, LabCorp
Classification: Likely benign. Last evaluated: 2024-01-31. Review status: criteria provided, single submitter. Criteria: LabCorp Variant Classification Summary - May 2015. Collection method: clinical testing. Allele origin: germline.
Comment: Variant summary: SDHA c.136A>G (p.Lys46Glu) results in a conservative amino acid change in the encoded protein sequence. Four of five in-silico tools predict a benign effect of the variant on protein function. The variant allele was found at a frequency of 0.00025 in 1613182 control chromosomes, predominantly at a frequency of 0.0049 within the African or African-American subpopulation in the gnomAD database. This suggests that the variant is very likely a benign polymorphism found primarily in populations of African or African-American origin. c.136A>G has been reported in the literature in at-least one individual affected with abdominal a paraganglioma (example: Casey_2017). This report does not provide unequivocal conclusions about association of the variant with Neurodegeneration With Ataxia And Late-Onset Optic Atrophy. To our knowledge, no experimental evidence demonstrating an impact on protein function has been reported. The following publication has been ascertained in the context of this evaluation (PMID: 28546994). ClinVar contains an entry for this variant (Variation ID: 224951). Based on the evidence outlined above, the variant was classified as likely benign.

Myriad Genetics, Inc.
Classification: Uncertain significance for Pheochromocytoma/paraganglioma syndrome 5. Last evaluated: 2023-04-24. Review status: criteria provided, single submitter. Criteria: Myriad Autosomal Dominant, Autosomal Recessive and X-Linked Classification Criteria (2023). Collection method: clinical testing. Allele origin: unknown.
Comment: This variant is classified as a variant of uncertain significance as there is insufficient evidence to determine its impact on protein function and/or cancer risk.

Sema4
Classification: Likely benign for Hereditary cancer-predisposing syndrome. Last evaluated: 2022-02-13. Review status: criteria provided, single submitter. Criteria: Sema4 Curation Guidelines. Collection method: curation. Allele origin: germline.

GeneDx
Classification: Likely benign. Last evaluated: 2021-06-02. Review status: criteria provided, single submitter. Criteria: GeneDx Variant Classification Process June 2021. Collection method: clinical testing. Allele origin: germline. Affected: yes.
Comment: This variant is associated with the following publications: (PMID: 23666964, 28546994, 26802149)

Ambry Genetics
Classification: Likely benign for Hereditary cancer-predisposing syndrome. Last evaluated: 2020-07-20. Review status: criteria provided, single submitter. Criteria: Ambry Variant Classification Scheme 2023. Collection method: clinical testing. Allele origin: germline.

Genetic Services Laboratory, University of Chicago
Classification: Uncertain significance. Last evaluated: 2019-01-23. Review status: criteria provided, single submitter. Criteria: ACMG Guidelines, 2015. Collection method: clinical testing. Allele origin: germline. Affected: no.

PreventionGenetics, part of Exact Sciences
Classification: Likely benign. Review status: criteria provided, single submitter. Criteria: ACMG Guidelines, 2015. Collection method: clinical testing. Allele origin: germline.

Counsyl
Classification: Uncertain significance for Pheochromocytoma/paraganglioma syndrome 5. Last evaluated: 2016-06-13. Review status: no assertion criteria provided. Collection method: clinical testing. Allele origin: unknown. Not counted in ClinVar's aggregate classification.

Literature cited by the submitters: PubMed 28546994 (cited by 3 submitters); PubMed 23666964 (cited by Ambry Genetics).